The following is an entry in ClinVar:

ClinVar aggregate classification (germline): Pathogenic (1 of 4 stars; one submission).

Conditions:
Marfan syndrome (MFS). Also called: MARFAN SYNDROME, TYPE I; Marfan syndrome type 1; Marfan's syndrome; Marfan syndrome, classic; FBN1-Related Marfan Syndrome. Identifiers: Orphanet 284963, Orphanet 558, MedGen C0024796, MONDO:0007947, OMIM 154700.
Familial thoracic aortic aneurysm and aortic dissection (TAAD). Also called: Thoracic aortic aneurysms and dissections. Identifiers: Orphanet 91387, MedGen C4707243, MONDO:0019625.

Submission:

Labcorp Genetics (formerly Invitae), Labcorp
Classification: Pathogenic for Marfan syndrome; Familial thoracic aortic aneurysm and aortic dissection. Last evaluated: 2021-02-15. Review status: criteria provided, single submitter. Criteria: Invitae Variant Classification Sherloc (09022015). Collection method: clinical testing. Allele origin: germline.
Comment: This variant affects a cysteine residue in the EGF-like, TGFBP or hybrid motif domains of FBN1. Cysteine residues are believed to be involved in intramolecular disulfide bridges and have been shown to be important for FBN1 protein structure (PMID: 16905551, 19349279). In addition, missense substitutions affecting cysteine residues within these domains are significantly overrepresented among patients with Marfan syndrome (PMID: 16571647, 17701892). For these reasons, this variant has been classified as Pathogenic. Advanced modeling of protein sequence and biophysical properties (such as structural, functional, and spatial information, amino acid conservation, physicochemical variation, residue mobility, and thermodynamic stability) performed at Invitae indicates that this missense variant is expected to disrupt FBN1 protein function. This sequence change replaces cysteine with arginine at codon 1461 of the FBN1 protein (p.Cys1461Arg). The cysteine residue is highly conserved and there is a large physicochemical difference between cysteine and arginine. This variant is not present in population databases (ExAC no frequency). This variant has been observed in individual(s) with clinical features of Marfan syndrome (PMID: 25053872, Invitae).

Literature cited by the submitters: PubMed 16905551; PubMed 19349279; PubMed 16571647; PubMed 17701892; PubMed 25053872.

NM_000138.5(FBN1):c.4381T>C (p.Cys1461Arg)

Gene: FBN1 (fibrillin 1; minus strand). Cytogenetic location: 15q21.1.
Variant type: single nucleotide variant.
Coding change: c.4381T>C on transcript NM_000138.5 (MANE Select); coding-DNA position 4381, T replaced by C.
Protein change: p.Cys1461Arg; replaces cysteine 1461 with arginine.
Molecular consequence: missense variant.
Genome position (GRCh38, 1-based): chr15:48,470,712, A>G on the plus strand (T>C on the coding strand, the complement: FBN1 is on the minus strand). VCF-style: chr15-48470712-A-G. GRCh37 (hg19) VCF-style: chr15-48762909-A-G.
Other names: short protein forms C1461R.
Identifiers: ClinVar variation 1456343 (VCV001456343.8), dbSNP rs2141275778, ClinGen allele CA392354619.